The following is an entry in ClinVar:

ClinVar aggregate classification (germline): Conflicting classifications of pathogenicity. Review status: criteria provided, conflicting classifications (1 of 4 stars). 3 submissions from 3 submitters: Likely pathogenic (1); Uncertain significance (2). Last evaluated 2020-12-27.

Conditions:
Multiple endocrine neoplasia, type 1 (MEN1). Also called: MEA I; WERMER SYNDROME; Endocrine adenomatosis multiple; MEN 1; MEN I. Identifiers: Orphanet 652, MedGen C0025267, MeSH D018761, MONDO:0007540, OMIM 131100.
Hereditary cancer-predisposing syndrome. Also called: Hereditary Cancer Syndrome; Neoplastic Syndromes, Hereditary; Hereditary neoplastic syndrome; Tumor predisposition. Identifiers: Orphanet 140162, MedGen C0027672, MeSH D009386, MONDO:0015356.

Submissions (3):

Labcorp Genetics (formerly Invitae), Labcorp
Classification: Uncertain significance for Multiple endocrine neoplasia, type 1. Last evaluated: 2020-12-27. Review status: criteria provided, single submitter. Criteria: Invitae Variant Classification Sherloc (09022015). Collection method: clinical testing. Allele origin: germline.
Comment: This sequence change affects codon 304 of the MEN1 mRNA. It is a 'silent' change, meaning that it does not change the encoded amino acid sequence of the MEN1 protein. This variant also falls at the last nucleotide of exon 6, which is part of the consensus splice site for this exon. This variant is not present in population databases (ExAC no frequency). This variant has not been reported in the literature in individuals with MEN1-related conditions. ClinVar contains an entry for this variant (Variation ID: 811233). Nucleotide substitutions within the consensus splice site are a relatively common cause of aberrant splicing (PMID: 17576681, 9536098). Algorithms developed to predict the effect of sequence changes on RNA splicing suggest that this variant may disrupt the consensus splice site, but this prediction has not been confirmed by published transcriptional studies. In summary, the available evidence is currently insufficient to determine the role of this variant in disease. Therefore, it has been classified as a Variant of Uncertain Significance.

ARUP Laboratories, Molecular Genetics and Genomics, ARUP Laboratories
Classification: Uncertain significance for Multiple endocrine neoplasia, type 1. Last evaluated: 2018-12-07. Review status: criteria provided, single submitter. Criteria: ARUP Molecular Germline Variant Investigation Process. Collection method: clinical testing. Allele origin: germline.
Comment: The MEN1 c.912G>A; p.Lys304Lys variant, to our knowledge, is not reported in the medical literature or gene specific databases. This variant is also absent from general population databases (1000 Genomes Project, Exome Variant Server, and Genome Aggregation Database), indicating it is not a common polymorphism. This is a synonymous variant in a highly conserved nucleotide, and computational analyses (Alamut v.2.11) predict that this variant may impact splicing by disrupting the canonical splice donor site of intron 6, which is likely to disrupt gene function. However, given the lack of clinical and functional data, the significance of the p.Lys304Lys variant is uncertain at this time.

Ambry Genetics
Classification: Likely pathogenic for Hereditary cancer-predisposing syndrome. Last evaluated: 2018-07-19. Review status: criteria provided, single submitter. Criteria: Ambry Variant Classification Scheme 2023. Collection method: clinical testing. Allele origin: germline.
Comment: The c.912G>A variant (also known as p.K304K), located in coding exon 5 of the MEN1 gene, results from a G to A substitution at nucleotide position 912. This nucleotide substitution does not change the amino acid at codon 304. However, this change occurs in the last base pair of coding exon 5, which makes it likely to have some effect on normal mRNA splicing. Other alterations impacting this splice junction (c.912+1G>A and c.912+1G>C) have been identified in individuals with multiple endocrine neoplasia type 1 (MEN1) and/or have been shown to create a frameshift and premature stop codon based on RNA data (Alzahrani AS et al. Endocr Pract;14(5):595-602; Klein et al. Genet. Med. 2005. 7;131-138; Mutch MG et al. Hum. Mutat. 1999;13(3):175-85). This nucleotide position is highly conserved in available vertebrate species. Using two different splice site prediction tools, this alteration is predicted by BDGP to abolish the native splice donor site, and is predicted to weaken (but not abolish) the efficiency of the native splice donor site by ESEfinder; however, direct evidence for this alteration is unavailable. Based on the majority of available evidence to date, this variant is likely to be pathogenic.

Literature cited by the submitters: PubMed 17576681 (cited by Labcorp Genetics (formerly Invitae), Labcorp); PubMed 9536098 (cited by Labcorp Genetics (formerly Invitae), Labcorp).

NM_001370259.2(MEN1):c.912G>A (p.Lys304=)

Gene: MEN1 (menin 1; minus strand). Cytogenetic location: 11q13.1.
Variant type: single nucleotide variant.
Coding change: c.912G>A on transcript NM_001370259.2 (MANE Select); coding-DNA position 912, G replaced by A.
Protein change: p.Lys304=; no amino-acid change (lysine 304 retained).
Molecular consequence: synonymous variant.
Genome position (GRCh38, 1-based): chr11:64,807,011, C>T on the plus strand (G>A on the coding strand, the complement: MEN1 is on the minus strand). VCF-style: chr11-64807011-C-T. GRCh37 (hg19) VCF-style: chr11-64574483-C-T.
Other names: c.807G>A, p.Lys269= (NM_001370263.2, NM_001370262.2); c.912G>A, p.Lys304= (NM_130799.3, NM_001370251.2, NM_001370260.2 and 1 more transcripts); c.927G>A, p.Lys309= (NM_130800.3, NM_130801.3, NM_130802.3 and 3 more transcripts).
Identifiers: ClinVar variation 811233 (VCV000811233.16), dbSNP rs1592646211, ClinGen allele CA474983529.